The following is an entry in ClinVar:

NM_199420.4(POLQ):c.3731C>T (p.Thr1244Ile)

Gene: POLQ (DNA polymerase theta; minus strand). Cytogenetic location: 3q13.33.
Variant type: single nucleotide variant.
Coding change: c.3731C>T on transcript NM_199420.4 (MANE Select); coding-DNA position 3731, C replaced by T.
Protein change: p.Thr1244Ile; replaces threonine 1244 with isoleucine.
Molecular consequence: missense variant.
Genome position (GRCh38, 1-based): chr3:121,489,200, G>A on the plus strand (C>T on the coding strand, the complement: POLQ is on the minus strand). VCF-style: chr3-121489200-G-A. GRCh37 (hg19) VCF-style: chr3-121208047-G-A.
Other names: short protein forms T1244I.
Identifiers: ClinVar variation 3229958 (VCV003229958.1), dbSNP rs760824789, ClinGen allele CA354097672.

ClinVar aggregate classification (germline): Uncertain significance (1 of 4 stars; one submission).

Submission:

Ambry Genetics
Classification: Uncertain significance. Last evaluated: 2023-10-05. Review status: criteria provided, single submitter. Criteria: Ambry Variant Classification Scheme 2023. Collection method: clinical testing. Allele origin: germline.
Comment: The p.T1244I variant (also known as c.3731C>T), located in coding exon 16 of the POLQ gene, results from a C to T substitution at nucleotide position 3731. The threonine at codon 1244 is replaced by isoleucine, an amino acid with similar properties. This amino acid position is conserved. In addition, this alteration is predicted to be tolerated by in silico analysis. Since supporting evidence is limited at this time, the clinical significance of this alteration remains unclear.